The following is an entry in ClinVar:

ClinVar aggregate classification (germline): Conflicting classifications of pathogenicity. Review status: criteria provided, conflicting classifications (1 of 4 stars). 4 submissions from 4 submitters: Uncertain significance (1); Likely benign (2). 1 of the submissions does not count toward it. Last evaluated 2026-01-19.

Conditions:
LRRK1-related disorder. Also called: LRRK1-related condition.
Inborn genetic diseases. Identifiers: MedGen C0950123, MeSH D030342.

Allele frequency attached by ClinVar (database versions not stated): ExAC 0.00298; gnomAD exomes 0.00320; ESP Exome Variant Server 0.00326; gnomAD 0.00348 and 0.00349; 1000 Genomes Project 30x 0.00359; TOPMed 0.00360; 1000 Genomes Project 0.00379.

Submissions (4):

Labcorp Genetics (formerly Invitae), Labcorp
Classification: Likely benign. Last evaluated: 2026-01-19. Review status: criteria provided, single submitter. Criteria: Invitae Variant Classification Sherloc (09022015). Collection method: clinical testing. Allele origin: germline.

Ambry Genetics
Classification: Uncertain significance for Inborn genetic diseases. Last evaluated: 2021-08-12. Review status: criteria provided, single submitter. Criteria: Ambry Variant Classification Scheme 2023. Collection method: clinical testing. Allele origin: germline.

Breakthrough Genomics
Classification: Likely benign. Review status: criteria provided, single submitter. Criteria: ACMG Guidelines, 2015. Collection method: not provided. Allele origin: germline. Inheritance: Autosomal recessive inheritance. Affected: yes.

PreventionGenetics, part of Exact Sciences
Classification: Likely benign for LRRK1-related condition. Last evaluated: 2019-08-09. Review status: no assertion criteria provided. Collection method: clinical testing. Allele origin: germline. Not counted in ClinVar's aggregate classification.
Comment: This variant is classified as likely benign based on ACMG/AMP sequence variant interpretation guidelines (Richards et al. 2015 PMID: 25741868, with internal and published modifications).

NM_024652.6(LRRK1):c.670A>G (p.Ile224Val)

Gene: LRRK1 (leucine rich repeat kinase 1; plus strand). Cytogenetic location: 15q26.3.
Variant type: single nucleotide variant.
Coding change: c.670A>G on transcript NM_024652.6 (MANE Select); coding-DNA position 670, A replaced by G.
Protein change: p.Ile224Val; replaces isoleucine 224 with valine.
Molecular consequence: missense variant.
Genome position (GRCh38, 1-based): chr15:100,989,306, A>G. VCF-style: chr15-100989306-A-G. GRCh37 (hg19) VCF-style: chr15-101529511-A-G.
Other names: c.670A>G (NM_024652.3, NM_024652.5); short protein forms I224V.
Identifiers: ClinVar variation 787721 (VCV000787721.13), dbSNP rs113989128, ClinGen allele CA7760670.